The following is an entry in ClinVar:

ClinVar aggregate classification (germline): Uncertain significance (1 of 4 stars; one submission).

Submission:

GeneDx
Classification: Uncertain significance. Last evaluated: 2023-06-28. Review status: criteria provided, single submitter. Criteria: GeneDx Variant Classification Process June 2021. Collection method: clinical testing. Allele origin: germline. Affected: yes.
Comment: Not observed at significant frequency in large population cohorts (gnomAD); In silico analysis supports that this missense variant has a deleterious effect on protein structure/function; Has not been previously published as pathogenic or benign to our knowledge

NM_000435.3(NOTCH3):c.2836T>C (p.Phe946Leu)

Gene: NOTCH3 (notch receptor 3; minus strand). Cytogenetic location: 19p13.12.
Variant type: single nucleotide variant.
Coding change: c.2836T>C on transcript NM_000435.3 (MANE Select); coding-DNA position 2836, T replaced by C.
Protein change: p.Phe946Leu; replaces phenylalanine 946 with leucine.
Molecular consequence: missense variant.
Genome position (GRCh38, 1-based): chr19:15,181,119, A>G on the plus strand (T>C on the coding strand, the complement: NOTCH3 is on the minus strand). VCF-style: chr19-15181119-A-G. GRCh37 (hg19) VCF-style: chr19-15291930-A-G.
Other names: short protein forms F946L.
Identifiers: ClinVar variation 3360575 (VCV003360575.1).